The following is an entry in ClinVar:

NM_020949.3(SLC7A14):c.2133_2138del (p.Thr712_Glu713del)

Gene: SLC7A14 (solute carrier family 7 member 14; minus strand). Cytogenetic location: 3q26.2.
Variant type: Deletion.
Coding change: c.2133_2138del on transcript NM_020949.3 (MANE Select); coding-DNA positions 2133 to 2138, 6 bases deleted (CACAGA; older notation c.2133_2138delCACAGA).
Protein change: p.Thr712_Glu713del.
Molecular consequence: inframe deletion.
Genome position (GRCh38, 1-based): chr3:170,467,233-170,467,238, TCTGTG deleted on the plus strand (CACAGA on the coding strand, the reverse complement: SLC7A14 is on the minus strand). VCF-style (leftmost placement, unchanged base first): chr3-170467232-CTCTGTG-C. GRCh37 (hg19) VCF-style: chr3-170185020-CTCTGTG-C.
Identifiers: ClinVar variation 4730016 (VCV004730016.1).

ClinVar aggregate classification (germline): Uncertain significance (1 of 4 stars; one submission).

Submission:

Labcorp Genetics (formerly Invitae), Labcorp
Classification: Uncertain significance. Last evaluated: 2025-10-27. Review status: criteria provided, single submitter. Criteria: Invitae Variant Classification Sherloc (09022015). Collection method: clinical testing. Allele origin: germline.
Comment: This variant, c.2133_2138del, results in the deletion of 2 amino acid(s) of the SLC7A14 protein (p.Thr712_Glu713del), but otherwise preserves the integrity of the reading frame. This variant is not present in population databases (gnomAD no frequency). This variant has not been reported in the literature in individuals affected with SLC7A14-related conditions. Experimental studies and prediction algorithms are not available or were not evaluated, and the functional significance of this variant is currently unknown. In summary, the available evidence is currently insufficient to determine the role of this variant in disease. Therefore, it has been classified as a Variant of Uncertain Significance.